The following is an entry in ClinVar:

ClinVar aggregate classification (germline): Uncertain significance. Review status: criteria provided, multiple submitters, no conflicts (2 of 4 stars). 4 submissions from 4 submitters: Uncertain significance (4). Last evaluated 2025-08-26.

Conditions:
Malignant hyperthermia, susceptibility to, 5 (MHS5). Also called: CACNA1S-Related Malignant Hyperthermia Susceptibility. Identifiers: Orphanet 423, MedGen C1866077, MONDO:0011163, OMIM 601887.
Hypokalemic periodic paralysis, type 1. Also called: HypoPP; Hypokalemic Periodic Paralysis Type 1 (AD). Identifiers: Orphanet 681, MedGen C3714580, MONDO:0042979, OMIM 170400.

Allele frequency attached by ClinVar (database versions not stated): ExAC 0.00001; gnomAD 0.00001; gnomAD exomes 0.00001; TOPMed 0.00002.

Submissions (4):

Color Diagnostics, LLC DBA Color Health
Classification: Uncertain significance for Malignant hyperthermia, susceptibility to, 5. Last evaluated: 2025-08-26. Review status: criteria provided, single submitter. Criteria: ACMG Guidelines, 2015. Collection method: clinical testing. Allele origin: germline.
Comment: This missense variant replaces aspartic acid with histidine at codon 1507 of the CACNA1S protein. Computational prediction is inconclusive regarding the impact of this variant on protein structure and function. To our knowledge, functional studies have not been reported for this variant. This variant has not been reported in individuals affected with CACNA1S-related disorders in the literature. This variant has been identified in 2/251422 chromosomes in the general population by the Genome Aggregation Database (gnomAD). The available evidence is insufficient to determine the role of this variant in disease conclusively. Therefore, this variant is classified as a Variant of Uncertain Significance.

GeneDx
Classification: Uncertain significance. Last evaluated: 2024-04-24. Review status: criteria provided, single submitter. Criteria: GeneDx Variant Classification Process June 2021. Collection method: clinical testing. Allele origin: germline. Affected: yes.
Comment: Not observed at significant frequency in large population cohorts (gnomAD); In silico analysis supports that this missense variant has a deleterious effect on protein structure/function; Has not been previously published as pathogenic or benign to our knowledge

All of Us Research Program, National Institutes of Health
Classification: Uncertain significance for Malignant hyperthermia, susceptibility to, 5. Last evaluated: 2023-08-28. Review status: criteria provided, single submitter. Criteria: ACMG Guidelines, 2015. Collection method: clinical testing. Allele origin: germline. Inheritance: Autosomal dominant inheritance. Observed: 3 variant alleles, 3 heterozygotes.
Comment: This missense variant replaces aspartic acid with histidine at codon 1507 of the CACNA1S protein. Computational prediction is inconclusive regarding the impact of this variant on protein structure and function (internally defined REVEL score threshold 0.5 < inconclusive < 0.7, PMID: 27666373). To our knowledge, functional studies have not been reported for this variant. This variant has not been reported in individuals affected with CACNA1S-related disorders in the literature. This variant has been identified in 2/251422 chromosomes in the general population by the Genome Aggregation Database (gnomAD). The available evidence is insufficient to determine the role of this variant in disease conclusively. Therefore, this variant is classified as a Variant of Uncertain Significance.

This study involves interpretation of variants in research participants for the purpose of population health screening. Participant phenotype was not available at the time of variant classification. Additional details can be found in publication PMID: 35346344, PMCID: PMC8962531

Labcorp Genetics (formerly Invitae), Labcorp
Classification: Uncertain significance for Hypokalemic periodic paralysis, type 1; Malignant hyperthermia, susceptibility to, 5. Last evaluated: 2023-05-01. Review status: criteria provided, single submitter. Criteria: Invitae Variant Classification Sherloc (09022015). Collection method: clinical testing. Allele origin: germline.
Comment: This sequence change replaces aspartic acid, which is acidic and polar, with histidine, which is basic and polar, at codon 1507 of the CACNA1S protein (p.Asp1507His). This variant is present in population databases (rs772376048, gnomAD 0.002%). This variant has not been reported in the literature in individuals affected with CACNA1S-related conditions. ClinVar contains an entry for this variant (Variation ID: 1005321). Advanced modeling of protein sequence and biophysical properties (such as structural, functional, and spatial information, amino acid conservation, physicochemical variation, residue mobility, and thermodynamic stability) has been performed at Invitae for this missense variant, however the output from this modeling did not meet the statistical confidence thresholds required to predict the impact of this variant on CACNA1S protein function. In summary, the available evidence is currently insufficient to determine the role of this variant in disease. Therefore, it has been classified as a Variant of Uncertain Significance.

NM_000069.3(CACNA1S):c.4519G>C (p.Asp1507His)

Gene: CACNA1S (calcium voltage-gated channel subunit alpha1 S; minus strand). Cytogenetic location: 1q32.1.
Variant type: single nucleotide variant.
Coding change: c.4519G>C on transcript NM_000069.3 (MANE Select); coding-DNA position 4519, G replaced by C.
Protein change: p.Asp1507His; replaces aspartic acid 1507 with histidine.
Molecular consequence: missense variant.
Genome position (GRCh38, 1-based): chr1:201,047,549, C>G on the plus strand (G>C on the coding strand, the complement: CACNA1S is on the minus strand). VCF-style: chr1-201047549-C-G. GRCh37 (hg19) VCF-style: chr1-201016677-C-G.
Other names: c.4519G>C (NM_000069.2); short protein forms D1507H.
Identifiers: ClinVar variation 1005321 (VCV001005321.10), dbSNP rs772376048, ClinGen allele CA083400.